The following is an entry in ClinVar:

NM_001166108.2(PALLD):c.1544A>G (p.Asp515Gly)

Gene: PALLD (palladin, cytoskeletal associated protein; plus strand). Cytogenetic location: 4q32.3.
Variant type: single nucleotide variant.
Coding change: c.1544A>G on transcript NM_001166108.2 (MANE Select); coding-DNA position 1544, A replaced by G.
Protein change: p.Asp515Gly; replaces aspartic acid 515 with glycine.
Molecular consequence: missense variant.
Genome position (GRCh38, 1-based): chr4:168,709,070, A>G. VCF-style: chr4-168709070-A-G. GRCh37 (hg19) VCF-style: chr4-169630221-A-G.
Other names: c.398A>G, p.Asp133Gly (NM_001166109.2); c.1544A>G, p.Asp515Gly (NM_016081.4); short protein forms D133G, D515G.
Identifiers: ClinVar variation 2448516 (VCV002448516.2), dbSNP rs2531818573, ClinGen allele CA358797448.
Genomic context (GRCh38, chr4:168,709,070, plus strand): 5'-TGTTCTCTTCACTTCCAGAGGAGATTTGCACCCTAGTTATCGCTGAGACTTTCCCTGAAG[A>G]TGCAGGGATCTTTACATGTTCAGCAAGAAATGATTATGGATCAGCAACCAGCACTGCCCA-3'
Protein context (NP_001159580.1, residues 505-525): TLVIAETFPE[Asp515Gly]AGIFTCSARN

ClinVar aggregate classification (germline): Uncertain significance (1 of 4 stars; one submission).

gnomAD v4.1: 1 of 1,610,732 alleles (0.000062%); highest among the groups gnomAD compares: Non-Finnish European, 0.000085%; no homozygotes.

Submission:

Ambry Genetics
Classification: Uncertain significance. Last evaluated: 2023-03-10. Review status: criteria provided, single submitter. Criteria: Ambry Variant Classification Scheme 2023. Collection method: clinical testing. Allele origin: germline.
Comment: The p.D515G variant (also known as c.1544A>G), located in coding exon 8 of the PALLD gene, results from an A to G substitution at nucleotide position 1544. The aspartic acid at codon 515 is replaced by glycine, an amino acid with similar properties. This amino acid position is conserved. In addition, this alteration is predicted to be deleterious by in silico analysis. Since supporting evidence is limited at this time, the clinical significance of this alteration remains unclear.